The following is an entry in ClinVar:

ClinVar aggregate classification (germline): Pathogenic (1 of 4 stars; one submission).

Submission:

Labcorp Genetics (formerly Invitae), Labcorp
Classification: Pathogenic. Last evaluated: 2024-01-19. Review status: criteria provided, single submitter. Criteria: Invitae Variant Classification Sherloc (09022015). Collection method: clinical testing. Allele origin: germline.
Comment: This sequence change creates a premature translational stop signal (p.Trp425*) in the CUL7 gene. It is expected to result in an absent or disrupted protein product. Loss-of-function variants in CUL7 are known to be pathogenic (PMID: 16142236, 17675530, 19225462). This variant is not present in population databases (gnomAD no frequency). This premature translational stop signal has been observed in individual(s) with 3-M syndrome (PMID: 34529350). Algorithms developed to predict the effect of sequence changes on RNA splicing suggest that this variant may disrupt the consensus splice site. For these reasons, this variant has been classified as Pathogenic.

Literature cited by the submitters: PubMed 16142236; PubMed 17675530; PubMed 19225462; PubMed 34529350.

NM_014780.5(CUL7):c.1274G>A (p.Trp425Ter)

Gene: CUL7 (cullin 7; minus strand). Cytogenetic location: 6p21.1.
Variant type: single nucleotide variant.
Coding change: c.1274G>A on transcript NM_014780.5 (MANE Select); coding-DNA position 1274, G replaced by A.
Protein change: p.Trp425Ter; replaces tryptophan 425 with a stop codon.
Molecular consequence: nonsense.
Genome position (GRCh38, 1-based): chr6:43,050,358, C>T on the plus strand (G>A on the coding strand, the complement: CUL7 is on the minus strand). VCF-style: chr6-43050358-C-T. GRCh37 (hg19) VCF-style: chr6-43018096-C-T.
Other names: c.1370G>A, p.Trp457Ter (NM_001168370.2, NM_001374872.1); c.1274G>A, p.Trp425Ter (NM_001374873.1, NM_001374874.1); short protein forms W425*, W457*.
Identifiers: ClinVar variation 3011440 (VCV003011440.3), dbSNP rs2532718093, ClinGen allele CA364224320.